The following is an entry in ClinVar:

NM_001042492.3(NF1):c.2705T>G (p.Met902Arg)

Gene: NF1 (neurofibromin 1; plus strand). Cytogenetic location: 17q11.2.
Variant type: single nucleotide variant.
Coding change: c.2705T>G on transcript NM_001042492.3 (MANE Select); coding-DNA position 2705, T replaced by G.
Protein change: p.Met902Arg; replaces methionine 902 with arginine.
Molecular consequence: missense variant.
Genome position (GRCh38, 1-based): chr17:31,229,320, T>G. VCF-style: chr17-31229320-T-G. GRCh37 (hg19) VCF-style: chr17-29556338-T-G.
Other names: c.2705T>G, p.Met902Arg (NM_000267.4); short protein forms M902R.
Identifiers: ClinVar variation 1002156 (VCV001002156.5), dbSNP rs1353007349, ClinGen allele CA398985057.
Genomic context (GRCh38, chr17:31,229,320, plus strand): 5'-CTTCAGAGGGAAACGCAGATACACCTGTCAGCAAATTTATGGATCGGCTGTTGTCCTTAA[T>G]GGTGTGTAACCATGAGAAAGTGGGACTTCAAATACGGACCAATGTTAAGGATCTGGTGGG-3'
Protein context (NP_001035957.1, residues 892-912): SKFMDRLLSL[Met902Arg]VCNHEKVGLQ

ClinVar aggregate classification (germline): Uncertain significance (1 of 4 stars; one submission).

Conditions:
Neurofibromatosis, type 1 (NF1). Also called: NEUROFIBROMATOSIS, TYPE I, SOMATIC; Peripheral type neurofibromatosis; VON RECKLINGHAUSEN DISEASE; Neurofibromatosis, type I. Identifiers: Orphanet 636, MedGen C0027831, MONDO:0018975, OMIM 162200. Disease mechanism: loss of function.

Submission:

Labcorp Genetics (formerly Invitae), Labcorp
Classification: Uncertain significance for Neurofibromatosis, type 1. Last evaluated: 2020-04-21. Review status: criteria provided, single submitter. Criteria: Invitae Variant Classification Sherloc (09022015). Collection method: clinical testing. Allele origin: germline.
Comment: Algorithms developed to predict the effect of sequence changes on RNA splicing suggest that this variant may create or strengthen a splice site, but this prediction has not been confirmed by published transcriptional studies. In summary, the available evidence is currently insufficient to determine the role of this variant in disease. Therefore, it has been classified as a Variant of Uncertain Significance. Algorithms developed to predict the effect of missense changes on protein structure and function (SIFT, PolyPhen-2, Align-GVGD) all suggest that this variant is likely to be tolerated, but these predictions have not been confirmed by published functional studies and their clinical significance is uncertain. This sequence change replaces methionine with arginine at codon 902 of the NF1 protein (p.Met902Arg). The methionine residue is moderately conserved and there is a moderate physicochemical difference between methionine and arginine. This variant is not present in population databases (ExAC no frequency). This variant has not been reported in the literature in individuals with NF1-related conditions.